The following is an entry in ClinVar:

NM_000059.4(BRCA2):c.7416G>C (p.Lys2472Asn)

Gene: BRCA2 (BRCA2 DNA repair associated; plus strand). Cytogenetic location: 13q13.1.
Variant type: single nucleotide variant.
Coding change: c.7416G>C on transcript NM_000059.4 (MANE Select); coding-DNA position 7416, G replaced by C.
Protein change: p.Lys2472Asn; replaces lysine 2472 with asparagine.
Molecular consequence: missense variant. On other transcripts: non-coding transcript variant (1).
Genome position (GRCh38, 1-based): chr13:32,355,269, G>C. VCF-style: chr13-32355269-G-C. GRCh37 (hg19) VCF-style: chr13-32929406-G-C.
Other names: c.7320G>C, p.Lys2440Asn (NM_001406719.1); c.7416G>C, p.Lys2472Asn (NM_001406720.1); c.2484G>C, p.Lys828Asn (NM_001406721.1); c.999G>C, p.Lys333Asn (NM_001406722.1); short protein forms K828N, K2472N, K2440N, K333N.
Identifiers: ClinVar variation 2840929 (VCV002840929.4), dbSNP rs913854315, ClinGen allele CA387741944.

ClinVar aggregate classification (germline): Conflicting classifications of pathogenicity. Review status: criteria provided, conflicting classifications (1 of 4 stars). 2 submissions from 2 submitters: Uncertain significance (1); Likely benign (1). Last evaluated 2026-05-19.

Conditions:
Hereditary breast ovarian cancer syndrome. Also called: Breast and ovarian cancer; Hereditary breast and ovarian cancer syndrome (HBOC); BRCA1- and BRCA2-Associated Hereditary Breast and Ovarian Cancer; Hereditary breast and ovarian cancer syndrome; Hereditary breast and ovarian cancer; Hereditary breast and/or ovarian cancer syndrome. Identifiers: Orphanet 145, MedGen C0677776, MeSH D061325, MONDO:0003582. Disease mechanism: loss of function.
Hereditary cancer-predisposing syndrome. Also called: Hereditary neoplastic syndrome; Neoplastic Syndromes, Hereditary; Tumor predisposition; Hereditary Cancer Syndrome. Identifiers: Orphanet 140162, MedGen C0027672, MeSH D009386, MONDO:0015356.

Submissions (2):

Ambry Genetics
Classification: Likely benign for Hereditary cancer-predisposing syndrome. Last evaluated: 2026-05-19. Review status: criteria provided, single submitter. Criteria: Ambry Variant Classification Scheme 2023. Collection method: clinical testing. Allele origin: germline.

Labcorp Genetics (formerly Invitae), Labcorp
Classification: Uncertain significance for Hereditary breast ovarian cancer syndrome. Last evaluated: 2023-11-15. Review status: criteria provided, single submitter. Criteria: Invitae Variant Classification Sherloc (09022015). Collection method: clinical testing. Allele origin: germline.
Comment: This sequence change replaces lysine, which is basic and polar, with asparagine, which is neutral and polar, at codon 2472 of the BRCA2 protein (p.Lys2472Asn). This variant is not present in population databases (gnomAD no frequency). This variant has not been reported in the literature in individuals affected with BRCA2-related conditions. Advanced modeling of protein sequence and biophysical properties (such as structural, functional, and spatial information, amino acid conservation, physicochemical variation, residue mobility, and thermodynamic stability) performed at Invitae indicates that this missense variant is not expected to disrupt BRCA2 protein function with a negative predictive value of 95%. In summary, the available evidence is currently insufficient to determine the role of this variant in disease. Therefore, it has been classified as a Variant of Uncertain Significance.